The following is an entry in ClinVar:

NM_000287.4(PEX6):c.600G>T (p.Gly200=)

Gene: PEX6 (peroxisomal biogenesis factor 6; minus strand). Cytogenetic location: 6p21.1.
Variant type: single nucleotide variant.
Coding change: c.600G>T on transcript NM_000287.4 (MANE Select); coding-DNA position 600, G replaced by T.
Protein change: p.Gly200=; no amino-acid change (glycine 200 retained).
Molecular consequence: synonymous variant. On other transcripts: non-coding transcript variant (1).
Genome position (GRCh38, 1-based): chr6:42,978,551, C>A on the plus strand (G>T on the coding strand, the complement: PEX6 is on the minus strand). VCF-style: chr6-42978551-C-A. GRCh37 (hg19) VCF-style: chr6-42946289-C-A.
Other names: c.600G>T, p.Gly200= (NM_001316313.2).
Identifiers: ClinVar variation 1999572 (VCV001999572.1), dbSNP rs2481278019, ClinGen allele CA450366362.
Genomic context (GRCh38, chr6:42,978,551, plus strand): 5'-GCCCTGGAAGAGGCCAAGGCCACGGAGACAGCTCCGGCTCACCCCTAGTGAATCTCCAGT[C>A]CCTCCCAGAACTCCCTGGAGTCGCCGCACTGTGCCAGAAACCGCAAAGGAGGACACCACG-3'
Protein context (NP_000278.3, residues 190-210): TVRRLQGVLG[Gly200=]TGDSLGVSRS

ClinVar aggregate classification (germline): Uncertain significance (1 of 4 stars; one submission).

Conditions:
Peroxisome biogenesis disorder. Identifiers: Orphanet 79189, MedGen C1832200, MONDO:0019234. Disease mechanism: loss of function.

Allele frequency attached by ClinVar (database versions not stated): gnomAD exomes below 0.00001.

Submission:

Labcorp Genetics (formerly Invitae), Labcorp
Classification: Uncertain significance for Peroxisome biogenesis disorder. Last evaluated: 2022-05-27. Review status: criteria provided, single submitter. Criteria: Invitae Variant Classification Sherloc (09022015). Collection method: clinical testing. Allele origin: germline.
Comment: This sequence change affects codon 200 of the PEX6 mRNA. It is a 'silent' change, meaning that it does not change the encoded amino acid sequence of the PEX6 protein. This variant is not present in population databases (gnomAD no frequency). This variant has not been reported in the literature in individuals affected with PEX6-related conditions. Algorithms developed to predict the effect of sequence changes on RNA splicing suggest that this variant may create or strengthen a splice site. In summary, the available evidence is currently insufficient to determine the role of this variant in disease. Therefore, it has been classified as a Variant of Uncertain Significance.